The following is an entry in ClinVar:

ClinVar aggregate classification (germline): Uncertain significance (1 of 4 stars; one submission).

Submission:

CeGaT Center for Human Genetics Tuebingen
Classification: Uncertain significance. Last evaluated: 2025-05-01. Review status: criteria provided, single submitter. Criteria: CeGaT Center For Human Genetics Tuebingen Variant Classification Criteria Version 2. Collection method: clinical testing. Allele origin: germline. Affected: yes. Observed: 3 variant alleles.
Comment: DDX25: PM2

NM_013264.5(DDX25):c.1216C>T (p.Gln406Ter)

Gene: DDX25 (DEAD-box helicase 25; plus strand). Cytogenetic location: 11q24.2.
Variant type: single nucleotide variant.
Coding change: c.1216C>T on transcript NM_013264.5 (MANE Select); coding-DNA position 1216, C replaced by T.
Protein change: p.Gln406Ter; replaces glutamine 406 with a stop codon.
Molecular consequence: nonsense.
Genome position (GRCh38, 1-based): chr11:125,921,205, C>T. VCF-style: chr11-125921205-C-T. GRCh37 (hg19) VCF-style: chr11-125791100-C-T.
Other names: c.874C>T, p.Gln292Ter (NM_001330438.2); short protein forms Q292*, Q406*.
Identifiers: ClinVar variation 3905726 (VCV003905726.10).
Genomic context (GRCh38, chr11:125,921,205, plus strand): 5'-ACTGAGGAAAGCATTGCAGGACCCTACAGTGTTTTTCCTCTTCTAGGGATTGATGTGAAG[C>T]AGGTCACAATTGTTGTGAACTTTGATCTCCCTGTAAAACAAGGAGAGGAGCCGGACTATG-3'